The following is an entry in ClinVar:

NM_033400.3(ZFHX2):c.7104G>A (p.Gly2368=)

Genes: THTPA (thiamine triphosphatase; plus strand), ZFHX2 (zinc finger homeobox 2; minus strand). Cytogenetic location: 14q11.2.
Variant type: single nucleotide variant.
Coding change: c.7104G>A on transcript NM_033400.3 (MANE Select); coding-DNA position 7104, G replaced by A.
Protein change: p.Gly2368=; no amino-acid change (glycine 2368 retained).
Molecular consequence: synonymous variant.
Genome position (GRCh38, 1-based): chr14:23,522,577, C>T on the plus strand (G>A on the coding strand, the complement: ZFHX2 is on the minus strand). VCF-style: chr14-23522577-C-T. GRCh37 (hg19) VCF-style: chr14-23991786-C-T.
Identifiers: ClinVar variation 2644108 (VCV002644108.24), dbSNP rs970999032, ClinGen allele CA257791711.

ClinVar aggregate classification (germline): Likely benign (1 of 4 stars; one submission).

Allele frequency attached by ClinVar (database versions not stated): gnomAD 0.00003.
gnomAD v4.1: 13 of 1,526,914 alleles (0.00085%); highest among the groups gnomAD compares: African/African-American, 0.0014%; no homozygotes.

Submission:

CeGaT Center for Human Genetics Tuebingen
Classification: Likely benign. Last evaluated: 2022-06-01. Review status: criteria provided, single submitter. Criteria: CeGaT Center For Human Genetics Tuebingen Variant Classification Criteria Version 2. Collection method: clinical testing. Allele origin: germline. Affected: yes. Observed: 1 variant allele.
Comment: ZFHX2: BP4, BP7